The following is an entry in ClinVar:

ClinVar aggregate classification (germline): Pathogenic (1 of 4 stars; one submission).

Conditions:
Telangiectasia, hereditary hemorrhagic, type 2 (HHT2). Also called: ACVRL1-Related Hereditary Hemorrhagic Telangiectasia; Telangiectasia, hereditary hemorrhagic, type II. Identifiers: Orphanet 774, MedGen C1838163, MONDO:0010880, OMIM 600376. Disease mechanism: loss of function.

Submission:

Labcorp Genetics (formerly Invitae), Labcorp
Classification: Pathogenic for Telangiectasia, hereditary hemorrhagic, type 2. Last evaluated: 2022-01-16. Review status: criteria provided, single submitter. Criteria: Invitae Variant Classification Sherloc (09022015). Collection method: clinical testing. Allele origin: germline.
Comment: This sequence change creates a premature translational stop signal (p.Gln20*) in the ACVRL1 gene. It is expected to result in an absent or disrupted protein product. Loss-of-function variants in ACVRL1 are known to be pathogenic (PMID: 15879500). This variant is not present in population databases (gnomAD no frequency). For these reasons, this variant has been classified as Pathogenic. ClinVar contains an entry for this variant (Variation ID: 533342). This premature translational stop signal has been observed in individual(s) with ACVRL1-related disease (Invitae).

Literature cited by the submitters: PubMed 15879500.

NM_000020.3(ACVRL1):c.58C>T (p.Gln20Ter)

Gene: ACVRL1 (activin A receptor like type 1; plus strand). Cytogenetic location: 12q13.13.
Variant type: single nucleotide variant.
Coding change: c.58C>T on transcript NM_000020.3 (MANE Select); coding-DNA position 58, C replaced by T.
Protein change: p.Gln20Ter; replaces glutamine 20 with a stop codon.
Molecular consequence: nonsense.
Genome position (GRCh38, 1-based): chr12:51,912,532, C>T. VCF-style: chr12-51912532-C-T. GRCh37 (hg19) VCF-style: chr12-52306316-C-T.
Other names: c.58C>T, p.Gln20Ter (NM_001077401.2); short protein forms Q20*.
Identifiers: ClinVar variation 533342 (VCV000533342.10), dbSNP rs1555152345, ClinGen allele CA384896740.